The following is an entry in ClinVar:

ClinVar aggregate classification (germline): Pathogenic (1 of 4 stars; one submission).

Conditions:
Hereditary breast ovarian cancer syndrome. Also called: BRCA1- and BRCA2-Associated Hereditary Breast and Ovarian Cancer; Breast and ovarian cancer; Hereditary breast and/or ovarian cancer syndrome; Hereditary breast and ovarian cancer; Hereditary breast and ovarian cancer syndrome (HBOC); Hereditary breast and ovarian cancer syndrome. Identifiers: Orphanet 145, MedGen C0677776, MeSH D061325, MONDO:0003582. Disease mechanism: loss of function.

Submission:

Labcorp Genetics (formerly Invitae), Labcorp
Classification: Pathogenic for Hereditary breast ovarian cancer syndrome. Last evaluated: 2025-10-26. Review status: criteria provided, single submitter. Criteria: Invitae Variant Classification Sherloc (09022015). Collection method: clinical testing. Allele origin: germline.
Comment: This sequence change creates a premature translational stop signal (p.Asp2161Glufs*7) in the BRCA2 gene. It is expected to result in an absent or disrupted protein product. Loss-of-function variants in BRCA2 are known to be pathogenic (PMID: 20104584). This variant is not present in population databases (gnomAD no frequency). This variant has not been reported in the literature in individuals affected with BRCA2-related conditions. ClinVar contains an entry for this variant (Variation ID: 2748601). For these reasons, this variant has been classified as Pathogenic.

Literature cited by the submitters: PubMed 20104584.

NM_000059.4(BRCA2):c.6483del (p.Asp2161fs)

Gene: BRCA2 (BRCA2 DNA repair associated; plus strand). Cytogenetic location: 13q13.1.
Variant type: Deletion.
Coding change: c.6483del on transcript NM_000059.4 (MANE Select); coding-DNA position 6483, one base deleted (C; older notation c.6483delC).
Protein change: p.Asp2161fs; shifts the reading frame from aspartic acid 2161.
Molecular consequence: frameshift variant. On other transcripts: non-coding transcript variant (1), intron variant (2).
Genome position (GRCh38, 1-based): chr13:32,340,838, C deleted. VCF-style (leftmost placement, unchanged base first): chr13-32340837-AC-A. GRCh37 (hg19) VCF-style: chr13-32914974-AC-A.
Other names: c.6483del, p.Asp2161fs (NM_001406719.1, NM_001406720.1); c.1910-3720del (NM_001406721.1); c.425-3720del (NM_001406722.1); short protein forms D2161fs.
Identifiers: ClinVar variation 2748601 (VCV002748601.3), dbSNP rs2548533440, ClinGen allele CA2697551806.